The following is an entry in ClinVar:

NM_000214.3(JAG1):c.548T>A (p.Ile183Asn)

Gene: JAG1 (jagged canonical Notch ligand 1; minus strand). Cytogenetic location: 20p12.2.
Variant type: single nucleotide variant.
Coding change: c.548T>A on transcript NM_000214.3 (MANE Select); coding-DNA position 548, T replaced by A.
Protein change: p.Ile183Asn; replaces isoleucine 183 with asparagine.
Molecular consequence: missense variant.
Genome position (GRCh38, 1-based): chr20:10,658,614, A>T on the plus strand (T>A on the coding strand, the complement: JAG1 is on the minus strand). VCF-style: chr20-10658614-A-T. GRCh37 (hg19) VCF-style: chr20-10639262-A-T.
Other names: short protein forms I183N.
Identifiers: ClinVar variation 3573058 (VCV003573058.2).

Conditions:
Arteriohepatic dysplasia. Also called: Alagille Syndrome. Identifiers: Orphanet 52, MedGen C0085280, MeSH D016738, MONDO:0007318.

Submission:

Gilbert/Spinner Lab, Children's Hospital of Philadelphia
No classification provided (evidence only). Condition: Alagille syndrome. Review status: no classification provided. Collection method: research. Allele origin: not applicable. Functional consequence: functionally_abnormal.
ClinVar note: "not provided" was previously submitted as the classification for the variant. However, the classification appeared to be based only on an observation of functional data so it was converted to no classification on 2025-07-30.